The following is an entry in ClinVar:

NM_001710.6(CFB):c.449_450delinsAG (p.Arg150Gln)

Gene: CFB (complement factor B; plus strand). Cytogenetic location: 6p21.33.
Variant type: Indel.
Coding change: c.449_450delinsAG on transcript NM_001710.6 (MANE Select); coding-DNA positions 449 to 450, GA replaced by AG.
Protein change: p.Arg150Gln; replaces arginine 150 with glutamine.
Molecular consequence: missense variant.
Genome position (GRCh38, 1-based): chr6:31,947,157-31,947,158, GA replaced by AG. VCF-style: chr6-31947157-GA-AG. GRCh37 (hg19) VCF-style: chr6-31914934-GA-AG.
Other names: short protein forms R150Q.
Identifiers: ClinVar variation 3622826 (VCV003622826.2).

ClinVar aggregate classification (germline): Uncertain significance (1 of 4 stars; one submission).

Submission:

Labcorp Genetics (formerly Invitae), Labcorp
Classification: Uncertain significance. Last evaluated: 2025-07-25. Review status: criteria provided, single submitter. Criteria: Invitae Variant Classification Sherloc (09022015). Collection method: clinical testing. Allele origin: germline.
Comment: This sequence change replaces arginine, which is basic and polar, with glutamine, which is neutral and polar, at codon 150 of the CFB protein (p.Arg150Gln). The frequency data for this variant in the population databases is considered unreliable, as metrics indicate poor data quality at this position in the gnomAD database. This variant has not been reported in the literature in individuals affected with CFB-related conditions. ClinVar contains an entry for this variant (Variation ID: 3622826). An algorithm developed to predict the effect of missense changes on protein structure and function (PolyPhen-2) suggests that this variant is likely to be disruptive. In summary, the available evidence is currently insufficient to determine the role of this variant in disease. Therefore, it has been classified as a Variant of Uncertain Significance.